The following is an entry in ClinVar:

NM_001080517.3(SETD5):c.3331G>C (p.Gly1111Arg)

Gene: SETD5 (SET domain containing 5; plus strand). Cytogenetic location: 3p25.3.
Variant type: single nucleotide variant.
Coding change: c.3331G>C on transcript NM_001080517.3 (MANE Select); coding-DNA position 3331, G replaced by C.
Protein change: p.Gly1111Arg; replaces glycine 1111 with arginine.
Molecular consequence: missense variant.
Genome position (GRCh38, 1-based): chr3:9,473,371, G>C. VCF-style: chr3-9473371-G-C. GRCh37 (hg19) VCF-style: chr3-9515055-G-C.
Other names: c.3037G>C, p.Gly1013Arg (NM_001292043.2, NM_001349451.2); short protein forms G1013R, G1111R.
Identifiers: ClinVar variation 1704888 (VCV001704888.2), dbSNP rs2473894253, ClinGen allele CA351685781.

ClinVar aggregate classification (germline): Uncertain significance (1 of 4 stars; one submission).

Submission:

GeneDx
Classification: Uncertain significance. Last evaluated: 2022-03-11. Review status: criteria provided, single submitter. Criteria: GeneDx Variant Classification Process June 2021. Collection method: clinical testing. Allele origin: germline. Affected: yes.
Comment: Not observed at significant frequency in large population cohorts (gnomAD); In silico analysis supports that this missense variant does not alter protein structure/function; Has not been previously published as pathogenic or benign to our knowledge